The following is an entry in ClinVar:

ClinVar aggregate classification (germline): Pathogenic (1 of 4 stars; one submission).

Submission:

Labcorp Genetics (formerly Invitae), Labcorp
Classification: Pathogenic. Last evaluated: 2022-06-13. Review status: criteria provided, single submitter. Criteria: Invitae Variant Classification Sherloc (09022015). Collection method: clinical testing. Allele origin: germline.
Comment: For these reasons, this variant has been classified as Pathogenic. Advanced modeling of protein sequence and biophysical properties (such as structural, functional, and spatial information, amino acid conservation, physicochemical variation, residue mobility, and thermodynamic stability) performed at Invitae indicates that this missense variant is expected to disrupt COL2A1 protein function. This missense change has been observed in individual(s) with autosomal dominant COL2A1-related conditions (Invitae). In at least one individual the variant was observed to be de novo. This variant is not present in population databases (gnomAD no frequency). This sequence change replaces tyrosine, which is neutral and polar, with aspartic acid, which is acidic and polar, at codon 1361 of the COL2A1 protein (p.Tyr1361Asp).

NM_001844.5(COL2A1):c.4081T>G (p.Tyr1361Asp)

Gene: COL2A1 (collagen type II alpha 1 chain; minus strand). Cytogenetic location: 12q13.11.
Variant type: single nucleotide variant.
Coding change: c.4081T>G on transcript NM_001844.5 (MANE Select); coding-DNA position 4081, T replaced by G.
Protein change: p.Tyr1361Asp; replaces tyrosine 1361 with aspartic acid.
Molecular consequence: missense variant.
Genome position (GRCh38, 1-based): chr12:47,974,325, A>C on the plus strand (T>G on the coding strand, the complement: COL2A1 is on the minus strand). VCF-style: chr12-47974325-A-C. GRCh37 (hg19) VCF-style: chr12-48368108-A-C.
Other names: c.3874T>G, p.Tyr1292Asp (NM_033150.3); short protein forms Y1292D, Y1361D.
Identifiers: ClinVar variation 1997480 (VCV001997480.4), dbSNP rs2136506414, ClinGen allele CA384533993.